The following is an entry in ClinVar:

NM_001256715.2(DNAAF3):c.632G>A (p.Trp211Ter)

Genes: DNAAF3 (dynein axonemal assembly factor 3; minus strand), DNAAF3-AS1 (DNAAF3 antisense RNA 1; plus strand). Cytogenetic location: 19q13.42.
Variant type: single nucleotide variant.
Coding change: c.632G>A on transcript NM_001256715.2 (MANE Select); coding-DNA position 632, G replaced by A.
Protein change: p.Trp211Ter; replaces tryptophan 211 with a stop codon.
Molecular consequence: nonsense.
Genome position (GRCh38, 1-based): chr19:55,161,674, C>T on the plus strand (G>A on the coding strand, the complement: DNAAF3 is on the minus strand). VCF-style: chr19-55161674-C-T. GRCh37 (hg19) VCF-style: chr19-55673042-C-T.
Other names: c.470G>A, p.Trp157Ter (NM_001256716.2); c.773G>A, p.Trp258Ter (NM_178837.4); c.836G>A, p.Trp279Ter (NM_001256714.1); short protein forms W211*, W157*, W258*, W279*.
Identifiers: ClinVar variation 2712918 (VCV002712918.3), dbSNP rs2085836426, ClinGen allele CA407454629.

ClinVar aggregate classification (germline): Pathogenic (1 of 4 stars; one submission).

Conditions:
Primary ciliary dyskinesia. Also called: Ciliary dyskinesia. Identifiers: Orphanet 244, MedGen C0008780, MONDO:0016575, HP:0012265.

Allele frequency attached by ClinVar (database versions not stated): TOPMed below 0.00001; gnomAD 0.00001.

Submission:

Labcorp Genetics (formerly Invitae), Labcorp
Classification: Pathogenic for Primary ciliary dyskinesia. Last evaluated: 2023-01-13. Review status: criteria provided, single submitter. Criteria: Invitae Variant Classification Sherloc (09022015). Collection method: clinical testing. Allele origin: germline.
Comment: For these reasons, this variant has been classified as Pathogenic. This variant has not been reported in the literature in individuals affected with DNAAF3-related conditions. This variant is not present in population databases (gnomAD no frequency). This sequence change creates a premature translational stop signal (p.Trp279*) in the DNAAF3 gene. It is expected to result in an absent or disrupted protein product. Loss-of-function variants in DNAAF3 are known to be pathogenic (PMID: 22387996).

Literature cited by the submitters: PubMed 22387996.